The following is an entry in ClinVar:

NM_004364.5(CEBPA):c.146C>T (p.Pro49Leu)

Gene: CEBPA (CCAAT enhancer binding protein alpha; minus strand). Cytogenetic location: 19q13.11.
Variant type: single nucleotide variant.
Coding change: c.146C>T on transcript NM_004364.5 (MANE Select); coding-DNA position 146, C replaced by T.
Protein change: p.Pro49Leu; replaces proline 49 with leucine.
Molecular consequence: missense variant. On other transcripts: 5 prime UTR variant (1).
Genome position (GRCh38, 1-based): chr19:33,302,269, G>A on the plus strand (C>T on the coding strand, the complement: CEBPA is on the minus strand). VCF-style: chr19-33302269-G-A. GRCh37 (hg19) VCF-style: chr19-33793175-G-A.
Other names: c.-212C>T (NM_001285829.2); c.251C>T, p.Pro84Leu (NM_001287424.2); c.104C>T, p.Pro35Leu (NM_001287435.2); short protein forms P49L, P84L, P35L.
Identifiers: ClinVar variation 2145848 (VCV002145848.6), dbSNP rs1967196919, ClinGen allele CA405275581.
Genomic context (GRCh38, chr19:33,302,269, plus strand): 5'-TCGATGTAGGCGCTGATGTCGATGGACGTCTCGTGCTCGCAGATGCCGCCCAGCGGCTCC[G>A]GGGCGGCAGGTGGGGCGGGAGGCTGCGCGGGGCCCGCGCCCCGGGGAAAGCCGAAGGCGG-3'
Protein context (NP_004355.2, residues 39-59): PAQPPAPPAA[Pro49Leu]EPLGGICEHE

ClinVar aggregate classification (germline): Uncertain significance. Review status: criteria provided, multiple submitters, no conflicts (2 of 4 stars). 2 submissions from 2 submitters: Uncertain significance (2). Last evaluated 2025-04-18.

Conditions:
Inborn genetic diseases. Identifiers: MedGen C0950123, MeSH D030342.
Acute myeloid leukemia (AML). Also called: Acute myeloid leukemia, adult; AML adult; Acute non-lymphocytic leukemia; Acute granulocytic leukemia; Leukemia, acute myeloid, somatic; Leukemia, acute myelogenous, somatic. Identifiers: Orphanet 519, MedGen C0023467, MeSH D015470, MONDO:0018874, OMIM 601626, HP:0004808. Disease mechanism: Constitutively activated FLT3.

Allele frequency attached by ClinVar (database versions not stated): TOPMed 0.00001.

Submissions (2):

Ambry Genetics
Classification: Uncertain significance for Inborn genetic diseases. Last evaluated: 2025-04-18. Review status: criteria provided, single submitter. Criteria: Ambry Variant Classification Scheme 2023. Collection method: clinical testing. Allele origin: germline.
Comment: The p.P49L variant (also known as c.146C>T), located in coding exon 1 of the CEBPA gene, results from a C to T substitution at nucleotide position 146. The proline at codon 49 is replaced by leucine, an amino acid with similar properties. This amino acid position is conserved. In addition, this alteration is predicted to be tolerated by in silico analysis. Based on the available evidence, the clinical significance of this variant remains unclear.

Labcorp Genetics (formerly Invitae), Labcorp
Classification: Uncertain significance for Acute myeloid leukemia. Last evaluated: 2024-04-16. Review status: criteria provided, single submitter. Criteria: Invitae Variant Classification Sherloc (09022015). Collection method: clinical testing. Allele origin: germline.
Comment: This sequence change replaces proline, which is neutral and non-polar, with leucine, which is neutral and non-polar, at codon 49 of the CEBPA protein (p.Pro49Leu). This variant is not present in population databases (gnomAD no frequency). This variant has not been reported in the literature in individuals affected with CEBPA-related conditions. ClinVar contains an entry for this variant (Variation ID: 2145848). Advanced modeling of protein sequence and biophysical properties (such as structural, functional, and spatial information, amino acid conservation, physicochemical variation, residue mobility, and thermodynamic stability) performed at Invitae indicates that this missense variant is not expected to disrupt CEBPA protein function with a negative predictive value of 80%. In summary, the available evidence is currently insufficient to determine the role of this variant in disease. Therefore, it has been classified as a Variant of Uncertain Significance.